The following is an entry in ClinVar:

ClinVar aggregate classification (germline): Likely benign (0 of 4 stars; one submission).

Conditions:
ANXA1-related disorder. Also called: ANXA1-related condition.

Submission:

PreventionGenetics, part of Exact Sciences
Classification: Likely benign for ANXA1-related condition. Last evaluated: 2020-01-22. Review status: no assertion criteria provided. Collection method: clinical testing. Allele origin: germline.
Comment: This variant is classified as likely benign based on ACMG/AMP sequence variant interpretation guidelines (Richards et al. 2015 PMID: 25741868, with internal and published modifications).

NM_000700.3(ANXA1):c.271-5del

Gene: ANXA1 (annexin A1; plus strand). Cytogenetic location: 9q21.13.
Variant type: Deletion.
Coding change: c.271-5del on transcript NM_000700.3 (MANE Select); 5 bases into the intron before coding-DNA position 271, one base deleted (T; older notation c.271-5delT).
Molecular consequence: intron variant.
Genome position (GRCh38, 1-based): chr9:73,160,258, T deleted; the last of 9 consecutive T bases (chr9:73,160,250-73,160,258); deleting any one gives the same sequence. VCF-style (leftmost placement, unchanged base first): chr9-73160249-CT-C. GRCh37 (hg19) VCF-style: chr9-75775165-CT-C.
Identifiers: ClinVar variation 3045489 (VCV003045489.2), dbSNP rs542717096, ClinGen allele CA5082923.
Genomic context (GRCh38, chr9:73,160,249, plus strand): 5'-GTCAGGTAATATCACATTTTTTAACCTAGCATGTTACTTATTGGAAGTCCTGATTCTAAT[CT>C]TTTTTTTTGTAGCCCCTGGATGAAACACTGAAGAAAGCCCTTACAGGTCACCTTGAGGAG-3'